The following is an entry in ClinVar:

ClinVar aggregate classification (germline): Uncertain significance (1 of 4 stars; one submission).

Conditions:
Congenital myasthenic syndrome 12 (CMS12). Also called: MYASTHENIC SYNDROME, CONGENITAL, WITH TUBULAR AGGREGATES 1; Myasthenia, congenital, 12, with tubular aggregates. Identifiers: Orphanet 353327, Orphanet 590, MedGen C3552335, MONDO:0012518, OMIM 610542.

Allele frequency attached by ClinVar (database versions not stated): gnomAD 0.00001; gnomAD exomes 0.00001; ExAC 0.00002; TOPMed 0.00003.
gnomAD v4.1: 7 of 1,613,932 alleles (0.00043%); highest among the groups gnomAD compares: Non-Finnish European, 0.00051%; no homozygotes.

Submission:

Labcorp Genetics (formerly Invitae), Labcorp
Classification: Uncertain significance for Congenital myasthenic syndrome 12. Last evaluated: 2022-07-06. Review status: criteria provided, single submitter. Criteria: Invitae Variant Classification Sherloc (09022015). Collection method: clinical testing. Allele origin: germline.
Comment: This sequence change replaces lysine, which is basic and polar, with arginine, which is basic and polar, at codon 622 of the GFPT1 protein (p.Lys622Arg). This variant is present in population databases (rs772640415, gnomAD 0.003%). This variant has not been reported in the literature in individuals affected with GFPT1-related conditions. ClinVar contains an entry for this variant (Variation ID: 659009). Algorithms developed to predict the effect of missense changes on protein structure and function (SIFT, PolyPhen-2, Align-GVGD) all suggest that this variant is likely to be tolerated. Algorithms developed to predict the effect of sequence changes on RNA splicing suggest that this variant may create or strengthen a splice site. In summary, the available evidence is currently insufficient to determine the role of this variant in disease. Therefore, it has been classified as a Variant of Uncertain Significance.

NM_001244710.2(GFPT1):c.1919A>G (p.Lys640Arg)

Gene: GFPT1 (glutamine--fructose-6-phosphate transaminase 1; minus strand). Cytogenetic location: 2p13.3.
Variant type: single nucleotide variant.
Coding change: c.1919A>G on transcript NM_001244710.2 (MANE Select); coding-DNA position 1919, A replaced by G.
Protein change: p.Lys640Arg; replaces lysine 640 with arginine.
Molecular consequence: missense variant.
Genome position (GRCh38, 1-based): chr2:69,327,050, T>C on the plus strand (A>G on the coding strand, the complement: GFPT1 is on the minus strand). VCF-style: chr2-69327050-T-C. GRCh37 (hg19) VCF-style: chr2-69554182-T-C.
Other names: c.1865A>G, p.Lys622Arg (NM_002056.4); short protein forms K622R, K640R.
Identifiers: ClinVar variation 659009 (VCV000659009.3), dbSNP rs772640415, ClinGen allele CA1693534.